The following is an entry in ClinVar:

NM_001378418.1(TCF20):c.3244C>T (p.Gln1082Ter)

Gene: TCF20 (transcription factor 20; minus strand). Cytogenetic location: 22q13.2.
Variant type: single nucleotide variant.
Coding change: c.3244C>T on transcript NM_001378418.1 (MANE Select); coding-DNA position 3244, C replaced by T.
Protein change: p.Gln1082Ter; replaces glutamine 1082 with a stop codon.
Molecular consequence: nonsense.
Genome position (GRCh38, 1-based): chr22:42,212,062, G>A on the plus strand (C>T on the coding strand, the complement: TCF20 is on the minus strand). VCF-style: chr22-42212062-G-A. GRCh37 (hg19) VCF-style: chr22-42608068-G-A.
Other names: c.3244C>T, p.Gln1082Ter (NM_005650.4, NM_181492.3); short protein forms Q1082*.
Identifiers: ClinVar variation 3024308 (VCV003024308.2), dbSNP rs2518218275, ClinGen allele CA411786929.

ClinVar aggregate classification (germline): Pathogenic/Likely pathogenic. Review status: criteria provided, multiple submitters, no conflicts (2 of 4 stars). 2 submissions from 2 submitters: Pathogenic (1); Likely pathogenic (1). Last evaluated 2025-12-15.

Conditions:
Developmental delay with variable intellectual impairment and behavioral abnormalities. Identifiers: MedGen C5193092, MONDO:0032745, OMIM 618430.

Submissions (2):

Variantyx, Inc.
Classification: Likely pathogenic for Developmental delay with variable intellectual impairment and behavioral abnormalities. Last evaluated: 2025-12-15. Review status: criteria provided, single submitter. Criteria: Variantyx Assertion Criteria 2022. Collection method: clinical testing. Allele origin: germline. Inheritance: Autosomal dominant inheritance. Affected: yes.
Comment: This is a nonsense variant in the TCF20 gene (OMIM: 603107). Pathogenic variants in this gene have been associated with autosomal dominant developmental delay with variable intellectual impairment and behavioral abnormalities. This variant introduces a premature termination codon in exon 2 out of 6 and is expected to result in loss of function, which is a known disease mechanism for TCF20 in this disorder (PMID: 27436265) (PVS1). This variant is absent from control populations (PM2). Inter- and intra-familial clinical variability has been described for autosomal dominant developmental delay with variable intellectual impairment and behavioral abnormalities (PMID: 30819258, 30739909). Based on the current evidence, this variant is classified as likely pathogenic for autosomal dominant developmental delay with variable intellectual impairment and behavioral abnormalities.

Molecular Genetics Lab, CHRU Brest
Classification: Pathogenic for Developmental delay with variable intellectual impairment and behavioral abnormalities. Review status: criteria provided, single submitter. Criteria: ACMG Guidelines, 2015. Collection method: clinical testing. Allele origin: de novo. Affected: yes.

Literature cited by the submitters: PubMed 27436265 (cited by Variantyx, Inc.); PubMed 30819258 (cited by Variantyx, Inc.); PubMed 30739909 (cited by Variantyx, Inc.).